The following is an entry in ClinVar:

NM_177402.5(SYT2):c.357C>T (p.Asp119=)

Gene: SYT2 (synaptotagmin 2; minus strand). Cytogenetic location: 1q32.1.
Variant type: single nucleotide variant.
Coding change: c.357C>T on transcript NM_177402.5 (MANE Select); coding-DNA position 357, C replaced by T.
Protein change: p.Asp119=; no amino-acid change (aspartic acid 119 retained).
Molecular consequence: synonymous variant.
Genome position (GRCh38, 1-based): chr1:202,603,107, G>A on the plus strand (C>T on the coding strand, the complement: SYT2 is on the minus strand). VCF-style: chr1-202603107-G-A. GRCh37 (hg19) VCF-style: chr1-202572235-G-A.
Other names: p.Asp119=; c.357C>T, p.Asp119= (NM_001136504.1).
Identifiers: ClinVar variation 731556 (VCV000731556.13), dbSNP rs141305662, ClinGen allele CA1333797.

ClinVar aggregate classification (germline): Benign/Likely benign. Review status: criteria provided, multiple submitters, no conflicts (2 of 4 stars). 4 submissions from 4 submitters: Benign (1); Likely benign (3). Last evaluated 2026-01-07.

Allele frequency attached by ClinVar (database versions not stated): 1000 Genomes Project 30x 0.00016; 1000 Genomes Project 0.00020; gnomAD exomes 0.00033 and 0.00064; ESP Exome Variant Server 0.00038; gnomAD 0.00038 and 0.00039; TOPMed 0.00045; ExAC 0.00052.
gnomAD v4.1: 586 of 1,614,004 alleles (0.036%); highest among the groups gnomAD compares: Middle Eastern, 0.41%; 2 homozygotes.

Submissions (4):

Labcorp Genetics (formerly Invitae), Labcorp
Classification: Likely benign. Last evaluated: 2026-01-07. Review status: criteria provided, single submitter. Criteria: Invitae Variant Classification Sherloc (09022015). Collection method: clinical testing. Allele origin: germline.

Blueprint Genetics
Classification: Likely benign. Last evaluated: 2024-11-05. Review status: criteria provided, single submitter. Criteria: ACMG Guidelines, 2015. Collection method: clinical testing. Allele origin: germline.

Mayo Clinic Laboratories, Mayo Clinic
Classification: Benign. Last evaluated: 2023-12-28. Review status: criteria provided, single submitter. Criteria: ACMG Guidelines, 2015. Collection method: clinical testing. Allele origin: germline. Observed: 2 variant alleles.
Comment: BA1, BP4, BP7

Breakthrough Genomics
Classification: Likely benign. Review status: criteria provided, single submitter. Criteria: ACMG Guidelines, 2015. Collection method: not provided. Allele origin: germline. Inheritance: Autosomal recessive inheritance. Affected: yes.